The following is an entry in ClinVar:

ClinVar aggregate classification (germline): Uncertain significance (1 of 4 stars; one submission).

Allele frequency attached by ClinVar (database versions not stated): gnomAD exomes below 0.00001.

Submission:

Labcorp Genetics (formerly Invitae), Labcorp
Classification: Uncertain significance. Last evaluated: 2020-10-19. Review status: criteria provided, single submitter. Criteria: Invitae Variant Classification Sherloc (09022015). Collection method: clinical testing. Allele origin: germline.
Comment: This sequence change replaces aspartic acid with glycine at codon 685 of the IL6ST protein (p.Asp685Gly). The aspartic acid residue is highly conserved and there is a moderate physicochemical difference between aspartic acid and glycine. This variant is not present in population databases (ExAC no frequency). This variant has not been reported in the literature in individuals with IL6ST-related conditions. Algorithms developed to predict the effect of missense changes on protein structure and function are either unavailable or do not agree on the potential impact of this missense change (SIFT: "Deleterious"; PolyPhen-2: "Possibly Damaging"; Align-GVGD: "Class C0"). Algorithms developed to predict the effect of sequence changes on RNA splicing suggest that this variant may create or strengthen a splice site, but this prediction has not been confirmed by published transcriptional studies. In summary, the available evidence is currently insufficient to determine the role of this variant in disease. Therefore, it has been classified as a Variant of Uncertain Significance.

NM_002184.4(IL6ST):c.2054A>G (p.Asp685Gly)

Gene: IL6ST (interleukin 6 cytokine family signal transducer; minus strand). Cytogenetic location: 5q11.2.
Variant type: single nucleotide variant.
Coding change: c.2054A>G on transcript NM_002184.4 (MANE Select); coding-DNA position 2054, A replaced by G.
Protein change: p.Asp685Gly; replaces aspartic acid 685 with glycine.
Molecular consequence: missense variant. On other transcripts: 3 prime UTR variant (1), non-coding transcript variant (2).
Genome position (GRCh38, 1-based): chr5:55,941,785, T>C on the plus strand (A>G on the coding strand, the complement: IL6ST is on the minus strand). VCF-style: chr5-55941785-T-C. GRCh37 (hg19) VCF-style: chr5-55237613-T-C.
Other names: c.1871A>G, p.Asp624Gly (NM_001190981.2); c.1952A>G, p.Asp651Gly (NM_001364275.2); c.1844A>G, p.Asp615Gly (NM_001364276.2); c.1187A>G, p.Asp396Gly (NM_001364277.2); c.1151A>G, p.Asp384Gly (NM_001364278.2); c.1058A>G, p.Asp353Gly (NM_001364279.2); c.*981A>G (NM_175767.3); short protein forms D353G, D396G, D615G, D624G, D384G, D651G, D685G.
Identifiers: ClinVar variation 1463885 (VCV001463885.8), dbSNP rs1441961601, ClinGen allele CA359780140.